The following is an entry in ClinVar:

ClinVar aggregate classification (germline): Uncertain significance (1 of 4 stars; one submission).

Allele frequency attached by ClinVar (database versions not stated): gnomAD 0.00001; ExAC 0.00002; ESP Exome Variant Server 0.00008.
gnomAD v4.1: 151 of 1,613,966 alleles (0.0094%); highest among the groups gnomAD compares: Non-Finnish European, 0.012%; no homozygotes.

Submission:

Labcorp Genetics (formerly Invitae), Labcorp
Classification: Uncertain significance. Last evaluated: 2024-11-03. Review status: criteria provided, single submitter. Criteria: Invitae Variant Classification Sherloc (09022015). Collection method: clinical testing. Allele origin: germline.
Comment: This sequence change replaces arginine, which is basic and polar, with glycine, which is neutral and non-polar, at codon 403 of the KIF22 protein (p.Arg403Gly). This variant is present in population databases (rs372409920, gnomAD 0.01%). This variant has not been reported in the literature in individuals affected with KIF22-related conditions. ClinVar contains an entry for this variant (Variation ID: 2893019). Invitae Evidence Modeling of protein sequence and biophysical properties (such as structural, functional, and spatial information, amino acid conservation, physicochemical variation, residue mobility, and thermodynamic stability) indicates that this missense variant is not expected to disrupt KIF22 protein function with a negative predictive value of 80%. In summary, the available evidence is currently insufficient to determine the role of this variant in disease. Therefore, it has been classified as a Variant of Uncertain Significance.

NM_007317.3(KIF22):c.1207C>G (p.Arg403Gly)

Gene: KIF22 (kinesin family member 22; plus strand). Cytogenetic location: 16p11.2.
Variant type: single nucleotide variant.
Coding change: c.1207C>G on transcript NM_007317.3 (MANE Select); coding-DNA position 1207, C replaced by G.
Protein change: p.Arg403Gly; replaces arginine 403 with glycine.
Molecular consequence: missense variant.
Genome position (GRCh38, 1-based): chr16:29,799,975, C>G. VCF-style: chr16-29799975-C-G. GRCh37 (hg19) VCF-style: chr16-29811296-C-G.
Other names: c.1003C>G, p.Arg335Gly (NM_001256269.2, NM_001256270.1); short protein forms R335G, R403G.
Identifiers: ClinVar variation 2893019 (VCV002893019.3), dbSNP rs372409920, ClinGen allele CA7993205.